The following is an entry in ClinVar:

ClinVar aggregate classification (germline): Uncertain significance (1 of 4 stars; one submission).

Conditions:
Neuropathy, hereditary sensory, type 1F. Also called: HSN IF; Hereditary sensory neuropathy type IF. Identifiers: Orphanet 36386, MedGen C3810194, MONDO:0014286, OMIM 615632.

Allele frequency attached by ClinVar (database versions not stated): gnomAD 0.00001; TOPMed 0.00002; gnomAD exomes below 0.00001.
gnomAD v4.1: 48 of 1,613,976 alleles (0.003%); highest among the groups gnomAD compares: Non-Finnish European, 0.004%; no homozygotes.

Submission:

Labcorp Genetics (formerly Invitae), Labcorp
Classification: Uncertain significance for Neuropathy, hereditary sensory, type 1F. Last evaluated: 2022-12-16. Review status: criteria provided, single submitter. Criteria: Invitae Variant Classification Sherloc (09022015). Collection method: clinical testing. Allele origin: germline.
Comment: Advanced modeling of protein sequence and biophysical properties (such as structural, functional, and spatial information, amino acid conservation, physicochemical variation, residue mobility, and thermodynamic stability) performed at Invitae indicates that this missense variant is expected to disrupt ATL3 protein function. In summary, the available evidence is currently insufficient to determine the role of this variant in disease. Therefore, it has been classified as a Variant of Uncertain Significance. ClinVar contains an entry for this variant (Variation ID: 858502). This variant has not been reported in the literature in individuals affected with ATL3-related conditions. This variant is present in population databases (no rsID available, gnomAD 0.0009%). This sequence change replaces histidine, which is basic and polar, with glutamine, which is neutral and polar, at codon 387 of the ATL3 protein (p.His387Gln).

NM_015459.5(ATL3):c.1161C>G (p.His387Gln)

Genes: ATL3 (atlastin GTPase 3; minus strand), LNCROPM (lncRNA regulator of PLAAT3 mediated phospholipid metabolism; plus strand), LOC126861231 (CDK7 strongly-dependent group 2 enhancer GRCh37_chr11:63398741-63399940; plus strand). Cytogenetic location: 11q13.1.
Variant type: single nucleotide variant.
Coding change: c.1161C>G on transcript NM_015459.5 (MANE Select); coding-DNA position 1161, C replaced by G.
Protein change: p.His387Gln; replaces histidine 387 with glutamine.
Molecular consequence: missense variant.
Genome position (GRCh38, 1-based): chr11:63,631,418, G>C on the plus strand (C>G on the coding strand, the complement: ATL3 is on the minus strand). VCF-style: chr11-63631418-G-C. GRCh37 (hg19) VCF-style: chr11-63398890-G-C.
Other names: c.1107C>G, p.His369Gln (NM_001290048.2); short protein forms H387Q, H369Q.
Identifiers: ClinVar variation 858502 (VCV000858502.10), dbSNP rs1171065069, ClinGen allele CA381025562.